The following is an entry in ClinVar:

ClinVar aggregate classification (germline): Benign. Review status: criteria provided, multiple submitters, no conflicts (2 of 4 stars). 3 submissions from 3 submitters: Benign (3). Last evaluated 2026-01-26.

Conditions:
Aortic aneurysm, familial thoracic 4 (AAT4). Also called: AORTIC ANEURYSM/AORTIC DISSECTION AND PATENT DUCTUS ARTERIOSUS. Identifiers: MedGen C1851504, MONDO:0007568, OMIM 132900.

Allele frequency attached by ClinVar (database versions not stated): gnomAD exomes 0.00005 and 0.00014; ExAC 0.00015; 1000 Genomes Project 30x 0.00031; 1000 Genomes Project 0.00040; ESP Exome Variant Server 0.00046; gnomAD 0.00050 and 0.00056; TOPMed 0.00063.
gnomAD v4.1: 141 of 1,611,452 alleles (0.0087%); highest among the groups gnomAD compares: African/African-American, 0.18%; no homozygotes.

Submissions (3):

Labcorp Genetics (formerly Invitae), Labcorp
Classification: Benign for Aortic aneurysm, familial thoracic 4. Last evaluated: 2026-01-26. Review status: criteria provided, single submitter. Criteria: Invitae Variant Classification Sherloc (09022015). Collection method: clinical testing. Allele origin: germline.

Women's Health and Genetics/Laboratory Corporation of America, LabCorp
Classification: Benign. Last evaluated: 2018-07-30. Review status: criteria provided, single submitter. Criteria: LabCorp Variant Classification Summary - May 2015. Collection method: clinical testing. Allele origin: germline.
Comment: Variant summary: MYH11 c.2541+8C>A alters a non-conserved nucleotide located close to a canonical splice site and therefore could affect mRNA splicing, leading to a significantly altered protein sequence. 5/5 computational tools predict no significant impact on normal splicing. However, these predictions have yet to be confirmed by functional studies. The variant allele was found at a frequency of 0.00021 in 276984 control chromosomes. The observed variant frequency is approximately 165 fold of the estimated maximal expected allele frequency for a pathogenic variant in MYH11 causing Aortopathy phenotype (1.3e-06), strongly suggesting that the variant is benign. To our knowledge, no occurrence of c.2541+8C>A in individuals affected with Aortopathy and no experimental evidence demonstrating its impact on protein function have been reported. No clinical diagnostic laboratories have submitted clinical-significance assessments for this variant to ClinVar after 2014. Based on the evidence outlined above, the variant was classified as benign.

GeneDx
Classification: Benign. Last evaluated: 2014-08-13. Review status: criteria provided, single submitter. Criteria: GeneDx Variant Classification (06012015). Collection method: clinical testing. Allele origin: germline. Affected: yes.
Comment: This variant is considered likely benign or benign based on one or more of the following criteria: it is a conservative change, it occurs at a poorly conserved position in the protein, it is predicted to be benign by multiple in silico algorithms, and/or has population frequency not consistent with disease.

NM_002474.3(MYH11):c.2520+8C>A

Gene: MYH11 (myosin heavy chain 11; minus strand). Cytogenetic location: 16p13.11.
Variant type: single nucleotide variant.
Coding change: c.2520+8C>A on transcript NM_002474.3 (MANE Select); 8 bases into the intron after coding-DNA position 2520, C replaced by A.
Molecular consequence: intron variant.
Genome position (GRCh38, 1-based): chr16:15,745,121, G>T on the plus strand (C>A on the coding strand, the complement: MYH11 is on the minus strand). VCF-style: chr16-15745121-G-T. GRCh37 (hg19) VCF-style: chr16-15838978-G-T.
Other names: c.2520+8C>A (NM_022844.3); c.2541+8C>A (NM_001040114.2, NM_001040113.2).
Identifiers: ClinVar variation 201025 (VCV000201025.11), dbSNP rs8063833, ClinGen allele CA306443.